The following is an entry in ClinVar:

ClinVar aggregate classification (germline): Benign. Review status: criteria provided, multiple submitters, no conflicts (2 of 4 stars). 2 submissions from 2 submitters: Benign (2). Last evaluated 2018-01-13.

Conditions:
Mucopolysaccharidosis type 6 (MPS6). Also called: ARSB DEFICIENCY; ARYLSULFATASE B DEFICIENCY; MPS VI; N-ACETYLGALACTOSAMINE-4-SULFATASE DEFICIENCY; MPS 6; Maroteaux Lamy syndrome. Identifiers: Orphanet 583, MedGen C0026709, MONDO:0009661, OMIM 253200.

Allele frequency attached by ClinVar (database versions not stated): gnomAD 0.43898; 1000 Genomes Project 0.44669; TOPMed 0.44843; 1000 Genomes Project 30x 0.45206; gnomAD exomes 0.50000.
gnomAD v4.1: 67,209 of 152,062 alleles (44%); highest among the groups gnomAD compares: African/African-American, 54%; 15,201 homozygotes.

Submissions (2):

Illumina Laboratory Services, Illumina
Classification: Benign for Mucopolysaccharidosis type 6. Last evaluated: 2018-01-13. Review status: criteria provided, single submitter. Criteria: ICSL Variant Classification Criteria 13 December 2019. Collection method: clinical testing. Allele origin: germline.
Comment: This variant was observed in the ICSL laboratory as part of a predisposition screen in an ostensibly healthy population. It had not been previously curated by ICSL or reported in the Human Gene Mutation Database (HGMD: prior to June 1st, 2018), and was therefore a candidate for classification through an automated scoring system. Utilizing variant allele frequency, disease prevalence and penetrance estimates, and inheritance mode, an automated score was calculated to assess if this variant is too frequent to cause the disease. Based on the score and internal cut-off values, a variant classified as benign is not then subjected to further curation. The score for this variant resulted in a classification of benign for this disease.

Breakthrough Genomics
Classification: Benign. Review status: criteria provided, single submitter. Criteria: ACMG Guidelines, 2015. Collection method: not provided. Allele origin: germline. Inheritance: Autosomal recessive inheritance. Affected: yes.

NM_000046.5(ARSB):c.*2022T>G

Gene: ARSB (arylsulfatase B; minus strand). Cytogenetic location: 5q14.1.
Variant type: single nucleotide variant.
Coding change: c.*2022T>G on transcript NM_000046.5 (MANE Select); 2022 bases downstream of the stop codon, T replaced by G.
Molecular consequence: 3 prime UTR variant.
Genome position (GRCh38, 1-based): chr5:78,778,375, A>C on the plus strand (T>G on the coding strand, the complement: ARSB is on the minus strand). VCF-style: chr5-78778375-A-C. GRCh37 (hg19) VCF-style: chr5-78074198-A-C.
Identifiers: ClinVar variation 354274 (VCV000354274.6), dbSNP rs7704939, ClinGen allele CA10620822.